The following is an entry in ClinVar:

NM_024675.4(PALB2):c.1463G>T (p.Ser488Ile)

Gene: PALB2 (partner and localizer of BRCA2; minus strand). Cytogenetic location: 16p12.2.
Variant type: single nucleotide variant.
Coding change: c.1463G>T on transcript NM_024675.4 (MANE Select); coding-DNA position 1463, G replaced by T.
Protein change: p.Ser488Ile; replaces serine 488 with isoleucine.
Molecular consequence: missense variant.
Genome position (GRCh38, 1-based): chr16:23,635,083, C>A on the plus strand (G>T on the coding strand, the complement: PALB2 is on the minus strand). VCF-style: chr16-23635083-C-A. GRCh37 (hg19) VCF-style: chr16-23646404-C-A.
Other names: short protein forms S488I.
Identifiers: ClinVar variation 241530 (VCV000241530.30), dbSNP rs767926590, ClinGen allele CA7963705.

ClinVar aggregate classification (germline): Conflicting classifications of pathogenicity. Review status: criteria provided, conflicting classifications (1 of 4 stars). 8 submissions from 8 submitters: Uncertain significance (6); Benign (1); Likely benign (1). Last evaluated 2025-12-08.

Conditions:
Familial cancer of breast. Also called: BREAST CANCER, FAMILIAL; Hereditary breast cancer; hereditary breast carcinoma. Identifiers: Orphanet 227535, MedGen C0346153, MONDO:0016419, OMIM 114480. Disease mechanism: loss of function.
Fanconi anemia complementation group N. Also called: PALB2-Related Fanconi Anemia. Identifiers: Orphanet 84, MedGen C1835817, MONDO:0012565, OMIM 610832. Disease mechanism: loss of function.
Pancreatic cancer, susceptibility to, 3. Identifiers: Orphanet 1333, MedGen C3150547, MONDO:0013236, OMIM 613348.
Hereditary cancer-predisposing syndrome. Also called: Neoplastic Syndromes, Hereditary; Tumor predisposition; Hereditary neoplastic syndrome; Hereditary Cancer Syndrome. Identifiers: Orphanet 140162, MedGen C0027672, MeSH D009386, MONDO:0015356.

Allele frequency attached by ClinVar (database versions not stated): ExAC 0.00001; gnomAD exomes 0.00001; TOPMed 0.00002; gnomAD 0.00003.
gnomAD v4.1: 7 of 1,614,034 alleles (0.00043%); highest among the groups gnomAD compares: African/African-American, 0.008%; no homozygotes.

Submissions (8):

Labcorp Genetics (formerly Invitae), Labcorp
Classification: Uncertain significance for Familial cancer of breast. Last evaluated: 2025-12-08. Review status: criteria provided, single submitter. Criteria: Invitae Variant Classification Sherloc (09022015). Collection method: clinical testing. Allele origin: germline.
Comment: This sequence change replaces serine, which is neutral and polar, with isoleucine, which is neutral and non-polar, at codon 488 of the PALB2 protein (p.Ser488Ile). This variant is present in population databases (rs767926590, gnomAD 0.02%). This missense change has been observed in individual(s) with breast cancer (PMID: 26689913). ClinVar contains an entry for this variant (Variation ID: 241530). Invitae Evidence Modeling of protein sequence and biophysical properties (such as structural, functional, and spatial information, amino acid conservation, physicochemical variation, residue mobility, and thermodynamic stability) indicates that this missense variant is not expected to disrupt PALB2 protein function with a negative predictive value of 80%. In summary, the available evidence is currently insufficient to determine the role of this variant in disease. Therefore, it has been classified as a Variant of Uncertain Significance.

Ambry Genetics
Classification: Likely benign for Hereditary cancer-predisposing syndrome. Last evaluated: 2025-09-17. Review status: criteria provided, single submitter. Criteria: Ambry Variant Classification Scheme 2023. Collection method: clinical testing. Allele origin: germline.

Quest Diagnostics Nichols Institute San Juan Capistrano
Classification: Uncertain significance. Last evaluated: 2025-06-13. Review status: criteria provided, single submitter. Criteria: Quest Diagnostics criteria. Collection method: clinical testing. Allele origin: unknown.
Comment: The PALB2 c.1463G>T (p.Ser488Ile) variant has been reported in the published literature in at least one individual with breast cancer (PMID: 26689913 (2015)). The frequency of this variant in the general population (Genome Aggregation Database) is uninformative in the assessment of its pathogenicity. Analysis of this variant using bioinformatics tools for the prediction of the effect of amino acid changes on protein structure and function yielded predictions that this variant is benign. Based on the available information, we are unable to determine the clinical significance of this variant.

Myriad Genetics, Inc.
Classification: Benign for Familial cancer of breast. Last evaluated: 2025-01-13. Review status: criteria provided, single submitter. Criteria: Myriad Autosomal Dominant, Autosomal Recessive and X-Linked Classification Criteria (2023). Collection method: clinical testing. Allele origin: unknown.
Comment: This variant is considered benign. This variant is strongly associated with less severe personal and family histories of cancer, typical for individuals without pathogenic variants in this gene [PMID: 25085752]. This variant has been observed in trans with a known pathogenic variant in one or more individuals lacking clinical features consistent with gene-specific recessive disease.

Color Diagnostics, LLC DBA Color Health
Classification: Uncertain significance for Hereditary cancer-predisposing syndrome. Last evaluated: 2024-05-24. Review status: criteria provided, single submitter. Criteria: ACMG Guidelines, 2015. Collection method: clinical testing. Allele origin: germline.
Comment: This missense variant replaces serine with isoleucine at codon 488 of the PALB2 protein. Computational prediction suggests that this variant may not impact protein structure and function. To our knowledge, functional studies have not been reported for this variant. This variant has been reported in an individual affected with breast cancer (PMID: 26689913). This variant has been identified in 4/282786 chromosomes in the general population by the Genome Aggregation Database (gnomAD). The available evidence is insufficient to determine the role of this variant in disease conclusively. Therefore, this variant is classified as a Variant of Uncertain Significance.

GeneDx
Classification: Uncertain significance. Last evaluated: 2023-06-13. Review status: criteria provided, single submitter. Criteria: GeneDx Variant Classification Process June 2021. Collection method: clinical testing. Allele origin: germline. Affected: yes.
Comment: Observed in individuals with breast cancer (Lu et al., 2015); Not observed at significant frequency in large population cohorts (gnomAD); In silico analysis supports that this missense variant has a deleterious effect on protein structure/function; This variant is associated with the following publications: (PMID: 26689913)

Fulgent Genetics
Classification: Uncertain significance for Familial cancer of breast; Fanconi anemia complementation group N; Pancreatic cancer, susceptibility to, 3. Last evaluated: 2021-10-19. Review status: criteria provided, single submitter. Criteria: ACMG Guidelines, 2015. Collection method: clinical testing. Allele origin: unknown.

Women's Health and Genetics/Laboratory Corporation of America, LabCorp
Classification: Uncertain significance. Last evaluated: 2017-07-06. Review status: criteria provided, single submitter. Criteria: LabCorp Variant Classification Summary - May 2015. Collection method: clinical testing. Allele origin: germline.
Comment: Variant summary: The PALB2 c.1463G>T (p.Ser488Ile) variant causes a missense change involving the alteration of a non-conserved nucleotide. 3/4 in silico tools predict a benign outcome for this variant (SNPsandGO not captured due to low reliability index). One study found non-significant LOH (FDR = 1%) for this variant for breast adenocarcinoma, where it was observed in both the tumor and the paired normal tissue types (Lu_Nature_2015). However, the exact significance of this finding towards an inherited predisposition to breast cancer is unclear. The variant of interest has been found in a large, broad control population, ExAC in 1/121390 control chromosomes at a frequency of 0.0000082, which does not exceed the estimated maximal expected allele frequency of a pathogenic PALB2 variant (0.0001563). In addition, one clinical diagnostic laboratory classified this variant as uncertain significance. The variant of interest has not, to our knowledge, been reported in affected individuals via publications and/or reputable databases/clinical diagnostic laboratories; nor evaluated for functional impact by in vivo/vitro studies. Because of the absence of clinical information and the lack of functional studies, the variant is classified as a variant of uncertain significance (VUS).

Literature cited by the submitters: PubMed 26689913 (cited by 4 submitters); PubMed 25085752 (cited by Myriad Genetics, Inc.).